The following is an entry in ClinVar:

NM_198428.3(BBS9):c.214G>A (p.Val72Met)

Gene: BBS9 (Bardet-Biedl syndrome 9; plus strand). Cytogenetic location: 7p14.3.
Variant type: single nucleotide variant.
Coding change: c.214G>A on transcript NM_198428.3 (MANE Select); coding-DNA position 214, G replaced by A.
Protein change: p.Val72Met; replaces valine 72 with methionine.
Molecular consequence: missense variant. On other transcripts: 5 prime UTR variant (4), non-coding transcript variant (3), intron variant (2).
Genome position (GRCh38, 1-based): chr7:33,152,802, G>A. VCF-style: chr7-33152802-G-A. GRCh37 (hg19) VCF-style: chr7-33192414-G-A.
Other names: c.214G>A, p.Val72Met (NM_001033604.2, NM_001033605.2, NM_001348036.1 and 5 more transcripts); c.-88G>A (NM_001348037.3, NM_001348045.3); c.-64G>A (NM_001348038.3, NM_001348039.3); c.79G>A, p.Val27Met (NM_001348042.3); c.-39+22761G>A (NM_001348046.3, NM_001348044.3); c.214G>A (NM_198428.2); short protein forms V72M, V27M.
Identifiers: ClinVar variation 1384831 (VCV001384831.9), dbSNP rs765240871, ClinGen allele CA367190479.
Genomic context (GRCh38, chr7:33,152,802, plus strand): 5'-TTTAGCCCCCATCCTGCAAAAACAGGAGATGGAGCTCAAGCCGAAGATTTGCTTCTAGAA[G>A]TGGATCTACGAGATCCAGTACTTCAAGTGGAAGTAGGAAAGTTTGTTTCGTAAGTAAGCC-3'
Protein context (NP_940820.1, residues 62-82): GAQAEDLLLE[Val72Met]DLRDPVLQVE

ClinVar aggregate classification (germline): Uncertain significance. Review status: criteria provided, multiple submitters, no conflicts (2 of 4 stars). 3 submissions from 3 submitters: Uncertain significance (3). Last evaluated 2025-11-06.

Conditions:
Bardet-Biedl syndrome 9 (BBS9). Identifiers: Orphanet 110, MedGen C1859567, MONDO:0014437, OMIM 615986.
Inborn genetic diseases. Identifiers: MedGen C0950123, MeSH D030342.
Bardet-Biedl syndrome (BBS). Identifiers: Orphanet 110, MedGen C0752166, MONDO:0015229.

gnomAD v4.1: 2 of 1,613,836 alleles (0.00012%); no homozygotes.

Submissions (3):

Ambry Genetics
Classification: Uncertain significance for Inborn genetic diseases. Last evaluated: 2025-11-06. Review status: criteria provided, single submitter. Criteria: Ambry Variant Classification Scheme 2023. Collection method: clinical testing. Allele origin: germline.

Fulgent Genetics
Classification: Uncertain significance for Bardet-Biedl syndrome 9. Last evaluated: 2024-04-08. Review status: criteria provided, single submitter. Criteria: ACMG Guidelines, 2015. Collection method: clinical testing. Allele origin: germline.

Labcorp Genetics (formerly Invitae), Labcorp
Classification: Uncertain significance for Bardet-Biedl syndrome. Last evaluated: 2024-02-24. Review status: criteria provided, single submitter. Criteria: Invitae Variant Classification Sherloc (09022015). Collection method: clinical testing. Allele origin: germline.
Comment: This sequence change replaces valine, which is neutral and non-polar, with methionine, which is neutral and non-polar, at codon 72 of the BBS9 protein (p.Val72Met). This variant is not present in population databases (gnomAD no frequency). This variant has not been reported in the literature in individuals affected with BBS9-related conditions. ClinVar contains an entry for this variant (Variation ID: 1384831). Advanced modeling of protein sequence and biophysical properties (such as structural, functional, and spatial information, amino acid conservation, physicochemical variation, residue mobility, and thermodynamic stability) performed at Invitae indicates that this missense variant is not expected to disrupt BBS9 protein function with a negative predictive value of 80%. In summary, the available evidence is currently insufficient to determine the role of this variant in disease. Therefore, it has been classified as a Variant of Uncertain Significance.